The following is an entry in ClinVar:

ClinVar aggregate classification (germline): Uncertain significance (1 of 4 stars; one submission).

Conditions:
Neuropathy, hereditary sensory and autonomic, type 2A (HSAN2A). Also called: ACROOSTEOLYSIS, GIACCAI TYPE; ACROOSTEOLYSIS, NEUROGENIC; WNK1-Related HSAN2 (HSAN2A); NEUROPATHY, HEREDITARY SENSORY RADICULAR, AUTOSOMAL RECESSIVE; MORVAN DISEASE; NEUROPATHY, CONGENITAL SENSORY. Identifiers: Orphanet 970, MedGen C2752089, MONDO:0024309, OMIM 201300.
Generalized epilepsy with febrile seizures plus, type 7 (GEFSP7). Also called: GEFS+, TYPE 7. Identifiers: Orphanet 36387, MedGen C2751778, MONDO:0013470, OMIM 613863.

Submission:

Labcorp Genetics (formerly Invitae), Labcorp
Classification: Uncertain significance for Neuropathy, hereditary sensory and autonomic, type 2A; Generalized epilepsy with febrile seizures plus, type 7. Last evaluated: 2025-10-01. Review status: criteria provided, single submitter. Criteria: Invitae Variant Classification Sherloc (09022015). Collection method: clinical testing. Allele origin: germline.
Comment: This sequence change replaces aspartic acid, which is acidic and polar, with tyrosine, which is neutral and polar, at codon 1120 of the SCN9A protein (p.Asp1120Tyr). This variant is not present in population databases (gnomAD no frequency). This variant has not been reported in the literature in individuals affected with SCN9A-related conditions. Invitae Evidence Modeling of protein sequence and biophysical properties (such as structural, functional, and spatial information, amino acid conservation, physicochemical variation, residue mobility, and thermodynamic stability) indicates that this missense variant is not expected to disrupt SCN9A protein function with a negative predictive value of 80%. In summary, the available evidence is currently insufficient to determine the role of this variant in disease. Therefore, it has been classified as a Variant of Uncertain Significance.

NM_001365536.1(SCN9A):c.3391G>T (p.Asp1131Tyr)

Genes: SCN9A (sodium voltage-gated channel alpha subunit 9; minus strand), SCN1A-AS1 (SCN1A and SCN9A antisense RNA 1; plus strand). Cytogenetic location: 2q24.3.
Variant type: single nucleotide variant.
Coding change: c.3391G>T on transcript NM_001365536.1 (MANE Select); coding-DNA position 3391, G replaced by T.
Protein change: p.Asp1131Tyr; replaces aspartic acid 1131 with tyrosine.
Molecular consequence: missense variant. On other transcripts: non-coding transcript variant (1).
Genome position (GRCh38, 1-based): chr2:166,251,846, C>A on the plus strand (G>T on the coding strand, the complement: SCN9A is on the minus strand). VCF-style: chr2-166251846-C-A. GRCh37 (hg19) VCF-style: chr2-167108356-C-A.
Other names: c.3358G>T, p.Asp1120Tyr (NM_002977.4); short protein forms D1131Y, D1120Y.
Identifiers: ClinVar variation 4783389 (VCV004783389.1).